The following is an entry in ClinVar:

NM_024426.6(WT1):c.965+6G>A

Gene: WT1 (WT1 transcription factor; minus strand). Cytogenetic location: 11p13.
Variant type: single nucleotide variant.
Coding change: c.965+6G>A on transcript NM_024426.6 (MANE Select); 6 bases into the intron after coding-DNA position 965, G replaced by A.
Molecular consequence: intron variant. On other transcripts: non-coding transcript variant (2).
Genome position (GRCh38, 1-based): chr11:32,417,571, C>T on the plus strand (G>A on the coding strand, the complement: WT1 is on the minus strand). VCF-style: chr11-32417571-C-T. GRCh37 (hg19) VCF-style: chr11-32439117-C-T.
Other names: c.842+6G>A (NM_001407050.1, NM_001407047.1); c.965+6G>A (NM_001407048.1, NM_001407049.1, NM_000378.6 and 4 more transcripts); c.203+6G>A (NM_001407051.1); c.314+6G>A (NM_001198552.2, NM_001198551.2).
Identifiers: ClinVar variation 2051657 (VCV002051657.5), dbSNP rs1390147566, ClinGen allele CA1962318435.

ClinVar aggregate classification (germline): Uncertain significance. Review status: criteria provided, multiple submitters, no conflicts (2 of 4 stars). 2 submissions from 2 submitters: Uncertain significance (2). Last evaluated 2024-09-13.

Conditions:
Frasier syndrome. Identifiers: Orphanet 347, MedGen C0950122, MeSH D052159, MONDO:0007635, OMIM 136680.
Wilms tumor 1 (WT1). Also called: Wilms tumor, somatic. Identifiers: Orphanet 654, MedGen CN033288, MONDO:0008679, OMIM 194070.
11p partial monosomy syndrome (WAGR). Also called: WAGR syndrome; WAGR Spectrum Disorder; CHROMOSOME 11p13 DELETION SYNDROME; WAGR Complex. Identifiers: Orphanet 893, MedGen C0206115, MONDO:0008681, OMIM 194072.
Drash syndrome (DDS). Also called: WILMS TUMOR AND PSEUDO- OR TRUE HERMAPHRODITISM; NEPHROPATHY, WILMS TUMOR, AND GENITAL ANOMALIES. Identifiers: Orphanet 220, MedGen C0950121, MONDO:0008682, OMIM 194080.

Submissions (2):

All of Us Research Program, National Institutes of Health
Classification: Uncertain significance for Wilms tumor 1. Last evaluated: 2024-09-13. Review status: criteria provided, single submitter. Criteria: ACMG Guidelines, 2015. Collection method: clinical testing. Allele origin: germline. Inheritance: Autosomal dominant inheritance. Observed: 1 variant allele, 1 heterozygote.
Comment: This variant causes a G to A nucleotide substitution at the +6 position of intron 4 of the WT1 gene. To our knowledge, functional studies have not been reported for this variant. This variant has not been reported in individuals affected with WT1-related disorders in the literature. This variant has not been identified in the general population by the Genome Aggregation Database (gnomAD). The available evidence is insufficient to determine the role of this variant in disease conclusively. Therefore, this variant is classified as a Variant of Uncertain Significance.

This study involves interpretation of variants in research participants for the purpose of population health screening. Participant phenotype was not available at the time of variant classification. Additional details can be found in publication PMID: 35346344, PMCID: PMC8962531

Labcorp Genetics (formerly Invitae), Labcorp
Classification: Uncertain significance for Wilms tumor 1; Drash syndrome; 11p partial monosomy syndrome; Frasier syndrome. Last evaluated: 2024-02-12. Review status: criteria provided, single submitter. Criteria: Invitae Variant Classification Sherloc (09022015). Collection method: clinical testing. Allele origin: germline.
Comment: This sequence change falls in intron 4 of the WT1 gene. It does not directly change the encoded amino acid sequence of the WT1 protein. It affects a nucleotide within the consensus splice site. This variant is not present in population databases (gnomAD no frequency). This variant has not been reported in the literature in individuals affected with WT1-related conditions. ClinVar contains an entry for this variant (Variation ID: 2051657). Variants that disrupt the consensus splice site are a relatively common cause of aberrant splicing (PMID: 17576681, 9536098). Algorithms developed to predict the effect of sequence changes on RNA splicing suggest that this variant is not likely to affect RNA splicing. In summary, the available evidence is currently insufficient to determine the role of this variant in disease. Therefore, it has been classified as a Variant of Uncertain Significance.

Literature cited by the submitters: PubMed 17576681 (cited by Labcorp Genetics (formerly Invitae), Labcorp); PubMed 9536098 (cited by Labcorp Genetics (formerly Invitae), Labcorp).